The following is an entry in ClinVar:

NM_001089.3(ABCA3):c.59G>T (p.Arg20Leu)

Gene: ABCA3 (ATP binding cassette subfamily A member 3; minus strand). Cytogenetic location: 16p13.3.
Variant type: single nucleotide variant.
Coding change: c.59G>T on transcript NM_001089.3 (MANE Select); coding-DNA position 59, G replaced by T.
Protein change: p.Arg20Leu; replaces arginine 20 with leucine.
Molecular consequence: missense variant.
Genome position (GRCh38, 1-based): chr16:2,326,270, C>A on the plus strand (G>T on the coding strand, the complement: ABCA3 is on the minus strand). VCF-style: chr16-2326270-C-A. GRCh37 (hg19) VCF-style: chr16-2376271-C-A.
Other names: short protein forms R20L.
Identifiers: ClinVar variation 1705904 (VCV001705904.7), dbSNP rs201777730, ClinGen allele CA7841794.

ClinVar aggregate classification (germline): Conflicting classifications of pathogenicity. Review status: criteria provided, conflicting classifications (1 of 4 stars). 4 submissions from 4 submitters: Pathogenic (1); Likely pathogenic (1); Uncertain significance (2). Last evaluated 2024-04-30.

Conditions:
Interstitial lung disease 2 (ILD2). Also called: FIBROCYSTIC PULMONARY DYSPLASIA; FIBROSING ALVEOLITIS, CRYPTOGENIC; Familial idiopathic pulmonary fibrosis. Identifiers: Orphanet 2032, Orphanet 79126, MedGen C5561926, MONDO:0800497, OMIM 178500, MONDO:0800029.
Interstitial lung disease due to ABCA3 deficiency. Also called: PULMONARY ALVEOLAR PROTEINOSIS, CONGENITAL, 3. Identifiers: Orphanet 440402, MedGen C1970456, MONDO:0012582, OMIM 610921.

gnomAD v4.1: 96 of 1,612,908 alleles (0.006%); highest among the groups gnomAD compares: Non-Finnish European, 0.008%; no homozygotes.

Submissions (4):

Fulgent Genetics
Classification: Likely pathogenic for Interstitial lung disease due to ABCA3 deficiency. Last evaluated: 2024-04-30. Review status: criteria provided, single submitter. Criteria: ACMG Guidelines, 2015. Collection method: clinical testing. Allele origin: germline.

Labcorp Genetics (formerly Invitae), Labcorp
Classification: Pathogenic. Last evaluated: 2024-02-19. Review status: criteria provided, single submitter. Criteria: Invitae Variant Classification Sherloc (09022015). Collection method: clinical testing. Allele origin: germline.
Comment: This sequence change replaces arginine, which is basic and polar, with leucine, which is neutral and non-polar, at codon 20 of the ABCA3 protein (p.Arg20Leu). This variant is present in population databases (rs201777730, gnomAD 0.0009%). This missense change has been observed in individual(s) with clinical features of surfactant deficiency (PMID: 18024538, 23625987; Invitae). In at least one individual the data is consistent with being in trans (on the opposite chromosome) from a pathogenic variant. ClinVar contains an entry for this variant (Variation ID: 1705904). An algorithm developed to predict the effect of missense changes on protein structure and function (PolyPhen-2) suggests that this variant is likely to be disruptive. For these reasons, this variant has been classified as Pathogenic.

Blueprint Genetics
Classification: Uncertain significance. Last evaluated: 2023-02-10. Review status: criteria provided, single submitter. Criteria: ACMG Guidelines, 2015. Collection method: clinical testing. Allele origin: germline.

Alder lab, University of Pittsburgh
Classification: Uncertain significance for Interstitial lung disease 2. Last evaluated: 2022-08-01. Review status: criteria provided, single submitter. Criteria: ACMG Guidelines, 2015. Collection method: research. Allele origin: germline. Affected: yes.

Literature cited by the submitters: PubMed 18024538 (cited by Labcorp Genetics (formerly Invitae), Labcorp); PubMed 23625987 (cited by Labcorp Genetics (formerly Invitae), Labcorp).